The following is an entry in ClinVar:

NM_000218.3(KCNQ1):c.1351C>T (p.Arg451Trp)

Gene: KCNQ1 (potassium voltage-gated channel subfamily Q member 1; plus strand). Cytogenetic location: 11p15.5.
Variant type: single nucleotide variant.
Coding change: c.1351C>T on transcript NM_000218.3 (MANE Select); coding-DNA position 1351, C replaced by T.
Protein change: p.Arg451Trp; replaces arginine 451 with tryptophan.
Molecular consequence: missense variant.
Genome position (GRCh38, 1-based): chr11:2,588,812, C>T. VCF-style: chr11-2588812-C-T. GRCh37 (hg19) VCF-style: chr11-2610042-C-T.
Other names: p.R451W:CGG>TGG; c.1351C>T (LRG_287t1); c.1255C>T, p.Arg419Trp (NM_001406836.1); c.1081C>T, p.Arg361Trp (NM_001406837.1); c.811C>T, p.Arg271Trp (NM_001406838.1); c.970C>T, p.Arg324Trp (NM_181798.2); short protein forms R451W, R324W, R419W, R271W, R361W.
Identifiers: ClinVar variation 67028 (VCV000067028.25), dbSNP rs199472782, ClinGen allele CA005661.

ClinVar aggregate classification (germline): Uncertain significance. Review status: criteria provided, multiple submitters, no conflicts (2 of 4 stars). 9 submissions from 9 submitters: Uncertain significance (8). 1 of the submissions does not count toward it. Last evaluated 2025-02-28.

Conditions:
Cardiovascular phenotype. Identifiers: MedGen CN230736.
Cardiac arrhythmia. Also called: Arrhythmia; Cardiac rhythm disease. Identifiers: MedGen C0003811, MONDO:0007263, HP:0011675.
Familial long QT syndrome (RWS). Also called: Congenital long QT syndrome; Romano-Ward syndrome; VENTRICULAR FIBRILLATION WITH PROLONGED QT INTERVAL. Identifiers: Orphanet 768, MedGen C1141890, MONDO:0019171.
Atrial fibrillation, familial, 3 (ATFB3). Identifiers: MedGen C1837014, MONDO:0011857, OMIM 607554.
Long QT syndrome 1 (LQT1). Identifiers: Orphanet 101016, Orphanet 768, MedGen C4551647, MONDO:0100316, OMIM 192500, MONDO:0008646.
Beckwith-Wiedemann syndrome (BWS). Also called: Exomphalos macroglossia gigantism syndrome; EMG SYNDROME. Identifiers: Orphanet 116, MedGen C0004903, MONDO:0007534, OMIM 130650.
Jervell and Lange-Nielsen syndrome 1 (JLNS1). Also called: CARDIOAUDITORY SYNDROME OF JERVELL AND LANGE-NIELSEN; DEAFNESS, CONGENITAL, AND FUNCTIONAL HEART DISEASE; PROLONGED QT INTERVAL IN EKG AND SUDDEN DEATH; SURDO-CARDIAC SYNDROME. Identifiers: Orphanet 768, Orphanet 90647, MedGen C4551509, MONDO:0024540, OMIM 220400.
Short QT syndrome type 2. Identifiers: Orphanet 51083, MedGen C1865019, MONDO:0012313, OMIM 609621.
Long QT syndrome (LQTS). Identifiers: MedGen C0023976, MeSH D008133, MONDO:0002442. Disease mechanism: loss of function. Inheritance: Various modes of inheritance.

Allele frequency attached by ClinVar (database versions not stated): gnomAD exomes below 0.00001; gnomAD 0.00001; TOPMed 0.00001.
gnomAD v4.1: 3 of 1,613,012 alleles (0.00019%); highest among the groups gnomAD compares: Admixed American, 0.0017%; no homozygotes.

Submissions (9):

Labcorp Genetics (formerly Invitae), Labcorp
Classification: Uncertain significance for Long QT syndrome. Last evaluated: 2025-02-28. Review status: criteria provided, single submitter. Criteria: Invitae Variant Classification Sherloc (09022015). Collection method: clinical testing. Allele origin: germline.
Comment: This sequence change replaces arginine, which is basic and polar, with tryptophan, which is neutral and slightly polar, at codon 451 of the KCNQ1 protein (p.Arg451Trp). This variant is not present in population databases (gnomAD no frequency). This missense change has been observed in individual(s) with clinical features of KCNQ1-related conditions and/or long QT syndrome (PMID: 19716085, 31521807, 32893267, 34505893). ClinVar contains an entry for this variant (Variation ID: 67028). Invitae Evidence Modeling of protein sequence and biophysical properties (such as structural, functional, and spatial information, amino acid conservation, physicochemical variation, residue mobility, and thermodynamic stability) has been performed for this missense variant. However, the output from this modeling did not meet the statistical confidence thresholds required to predict the impact of this variant on KCNQ1 protein function. In summary, the available evidence is currently insufficient to determine the role of this variant in disease. Therefore, it has been classified as a Variant of Uncertain Significance.

All of Us Research Program, National Institutes of Health
Classification: Uncertain significance for Long QT syndrome. Last evaluated: 2024-05-14. Review status: criteria provided, single submitter. Criteria: ACMG Guidelines, 2015. Collection method: clinical testing. Allele origin: germline. Inheritance: Autosomal dominant inheritance. Observed: 3 variant alleles, 3 heterozygotes.
Comment: This missense variant replaces arginine with tryptophan at codon 451 of the KCNQ1 protein. Computational prediction is inconclusive regarding the impact of this variant on protein structure and function (internally defined REVEL score threshold 0.5 < inconclusive < 0.7, PMID: 27666373). To our knowledge, functional studies have not been reported for this variant. This variant has been reported in two individuals affected with long QT syndrome (PMID: 31521807, 32893267), and in an individual suspected of having long QT syndrome (PMID: 19716085). This variant has not been identified in the general population by the Genome Aggregation Database (gnomAD). The available evidence is insufficient to determine the role of this variant in disease conclusively. Therefore, this variant is classified as a Variant of Uncertain Significance.

This study involves interpretation of variants in research participants for the purpose of population health screening. Participant phenotype was not available at the time of variant classification. Additional details can be found in publication PMID: 35346344, PMCID: PMC8962531

Color Diagnostics, LLC DBA Color Health
Classification: Uncertain significance for Cardiac arrhythmia. Last evaluated: 2024-05-06. Review status: criteria provided, single submitter. Criteria: ACMG Guidelines, 2015. Collection method: clinical testing. Allele origin: germline.
Comment: This missense variant replaces arginine with tryptophan at codon 451 of the KCNQ1 protein. Computational prediction is inconclusive regarding the impact of this variant on protein structure and function. To our knowledge, functional studies have not been reported for this variant. This variant has been reported in two individuals affected with long QT syndrome (PMID: 31521807, 32893267), and in an individual suspected of having long QT syndrome (PMID: 19716085). This variant has not been identified in the general population by the Genome Aggregation Database (gnomAD). The available evidence is insufficient to determine the role of this variant in disease conclusively. Therefore, this variant is classified as a Variant of Uncertain Significance.

GeneDx
Classification: Uncertain significance. Last evaluated: 2024-01-19. Review status: criteria provided, single submitter. Criteria: GeneDx Variant Classification Process June 2021. Collection method: clinical testing. Allele origin: germline. Affected: yes.
Comment: Identified in patients with LQTS in published literature (PMID: 19716085, 25854863, 31521807, 34505893, 32893267); Not observed at significant frequency in large population cohorts (gnomAD); In silico analysis supports that this missense variant has a deleterious effect on protein structure/function; This variant is associated with the following publications: (PMID: 31521807, 34505893, 25854863, 32893267, 19716085)

Blueprint Genetics
Classification: Uncertain significance. Last evaluated: 2023-05-05. Review status: criteria provided, single submitter. Criteria: ACMG Guidelines, 2015. Collection method: clinical testing. Allele origin: germline.

AiLife Diagnostics
Classification: Uncertain significance. Last evaluated: 2022-03-07. Review status: criteria provided, single submitter. Criteria: ACMG Guidelines, 2015. Collection method: clinical testing. Allele origin: germline. Affected: yes. Observed: 1 variant allele.

Fulgent Genetics
Classification: Uncertain significance for Beckwith-Wiedemann syndrome; Long QT syndrome 1; Jervell and Lange-Nielsen syndrome 1; Atrial fibrillation, familial, 3; Short QT syndrome type 2. Last evaluated: 2021-11-05. Review status: criteria provided, single submitter. Criteria: ACMG Guidelines, 2015. Collection method: clinical testing. Allele origin: unknown.

Ambry Genetics
Classification: Uncertain significance for Cardiovascular phenotype. Last evaluated: 2019-09-26. Review status: criteria provided, single submitter. Criteria: Ambry Variant Classification Scheme 2023. Collection method: clinical testing. Allele origin: germline.

Cardiovascular Biomedical Research Unit, Royal Brompton & Harefield NHS Foundation Trust
No classification provided. Condition: Familial long QT syndrome. Review status: no classification provided. Collection method: literature only. Allele origin: germline. Not counted in ClinVar's aggregate classification.
Comment: This variant has been reported as associated with Long QT syndrome in the following publications (PMID:19716085). This is a literature report, and does not necessarily reflect the clinical interpretation of the Imperial College / Royal Brompton Cardiovascular Genetics laboratory.

Literature cited by the submitters: PubMed 19716085 (cited by 5 submitters); PubMed 31521807 (cited by 3 submitters); PubMed 32893267 (cited by 3 submitters); PubMed 34505893 (cited by Labcorp Genetics (formerly Invitae), Labcorp); PubMed 22581653 (cited by Cardiovascular Biomedical Research Unit, Royal Brompton & Harefield NHS Foundation Trust).